The following is an entry in ClinVar:

NM_001365999.1(SZT2):c.5642C>T (p.Pro1881Leu)

Gene: SZT2 (SZT2 subunit of KICSTOR complex; plus strand). Cytogenetic location: 1p34.2.
Variant type: single nucleotide variant.
Coding change: c.5642C>T on transcript NM_001365999.1 (MANE Select); coding-DNA position 5642, C replaced by T.
Protein change: p.Pro1881Leu; replaces proline 1881 with leucine.
Molecular consequence: missense variant.
Genome position (GRCh38, 1-based): chr1:43,433,028, C>T. VCF-style: chr1-43433028-C-T. GRCh37 (hg19) VCF-style: chr1-43898699-C-T.
Other names: c.5471C>T, p.Pro1824Leu (NM_015284.4); c.5471C>T (NM_015284.3); short protein forms P1824L, P1881L.
Identifiers: ClinVar variation 1020918 (VCV001020918.7), dbSNP rs377454933, ClinGen allele CA809653.
Genomic context (GRCh38, chr1:43,433,028, plus strand): 5'-CCTTCAATGCATCTGACACAGGTTATGATGGTGGCAGCAGTGGCTCAGACAGTGAGGGTC[C>T]CAATGACACCCTTGGTGAGAAGGCCCCCTTCACATTGCGGACTCCACCTGGGCCAGCACC-3'
Protein context (NP_001352928.1, residues 1871-1891): GGSSGSDSEG[Pro1881Leu]NDTLGEKAPF

ClinVar aggregate classification (germline): Uncertain significance. Review status: criteria provided, multiple submitters, no conflicts (2 of 4 stars). 3 submissions from 3 submitters: Uncertain significance (3). Last evaluated 2023-04-11.

Conditions:
Developmental and epileptic encephalopathy, 18 (DEE18). Also called: Early infantile epileptic encephalopathy 18. Identifiers: Orphanet 369894, MedGen C3809624, MONDO:0014201, OMIM 615476.

Allele frequency attached by ClinVar (database versions not stated): gnomAD exomes below 0.00001 and 0.00001; ExAC 0.00002; gnomAD 0.00006; ESP Exome Variant Server 0.00008; TOPMed 0.00008.
gnomAD v4.1: 11 of 1,613,948 alleles (0.00068%); highest among the groups gnomAD compares: African/African-American, 0.012%; no homozygotes.

Submissions (3):

Genome-Nilou Lab
Classification: Uncertain significance for Developmental and epileptic encephalopathy, 18. Last evaluated: 2023-04-11. Review status: criteria provided, single submitter. Criteria: ACMG Guidelines, 2015. Collection method: clinical testing. Allele origin: germline. Affected: no.

GeneDx
Classification: Uncertain significance. Last evaluated: 2023-01-03. Review status: criteria provided, single submitter. Criteria: GeneDx Variant Classification Process June 2021. Collection method: clinical testing. Allele origin: germline. Affected: yes.
Comment: In silico analysis supports that this missense variant does not alter protein structure/function; Has not been previously published as pathogenic or benign to our knowledge

Labcorp Genetics (formerly Invitae), Labcorp
Classification: Uncertain significance. Last evaluated: 2022-09-01. Review status: criteria provided, single submitter. Criteria: Invitae Variant Classification Sherloc (09022015). Collection method: clinical testing. Allele origin: germline.
Comment: This sequence change replaces proline, which is neutral and non-polar, with leucine, which is neutral and non-polar, at codon 1824 of the SZT2 protein (p.Pro1824Leu). This variant is present in population databases (rs377454933, gnomAD 0.02%). This variant has not been reported in the literature in individuals affected with SZT2-related conditions. ClinVar contains an entry for this variant (Variation ID: 1020918). Algorithms developed to predict the effect of missense changes on protein structure and function are either unavailable or do not agree on the potential impact of this missense change (SIFT: "Deleterious"; PolyPhen-2: "Probably Damaging"; Align-GVGD: "Class C0"). In summary, the available evidence is currently insufficient to determine the role of this variant in disease. Therefore, it has been classified as a Variant of Uncertain Significance.